The following is an entry in ClinVar:

ClinVar aggregate classification (germline): Uncertain significance (1 of 4 stars; one submission).

Submission:

GeneDx
Classification: Uncertain significance. Last evaluated: 2026-02-04. Review status: criteria provided, single submitter. Criteria: GeneDx Variant Classification Process June 2021. Collection method: clinical testing. Allele origin: germline.
Comment: Not observed at significant frequency in large population cohorts (gnomAD); In silico analysis suggests that this missense variant does not alter protein structure/function; Has not been previously published as pathogenic or benign to our knowledge

NM_152296.5(ATP1A3):c.409T>A (p.Ser137Thr)

Gene: ATP1A3 (ATPase Na+/K+ transporting subunit alpha 3; minus strand). Cytogenetic location: 19q13.2.
Variant type: single nucleotide variant.
Coding change: c.409T>A on transcript NM_152296.5 (MANE Select); coding-DNA position 409, T replaced by A.
Protein change: p.Ser137Thr; replaces serine 137 with threonine.
Molecular consequence: missense variant.
Genome position (GRCh38, 1-based): chr19:41,986,178, A>T on the plus strand (T>A on the coding strand, the complement: ATP1A3 is on the minus strand). VCF-style: chr19-41986178-A-T. GRCh37 (hg19) VCF-style: chr19-42490330-A-T.
Other names: c.442T>A, p.Ser148Thr (NM_001256213.2); c.448T>A, p.Ser150Thr (NM_001256214.2); short protein forms S137T, S148T, S150T.
Identifiers: ClinVar variation 2499740 (VCV002499740.2), dbSNP rs2514079536, ClinGen allele CA406055429.